The following is an entry in ClinVar:

NM_144631.6(ZNF513):c.773A>G (p.Glu258Gly)

Gene: ZNF513 (zinc finger protein 513; minus strand). Cytogenetic location: 2p23.3.
Variant type: single nucleotide variant.
Coding change: c.773A>G on transcript NM_144631.6 (MANE Select); coding-DNA position 773, A replaced by G.
Protein change: p.Glu258Gly; replaces glutamic acid 258 with glycine.
Molecular consequence: missense variant.
Genome position (GRCh38, 1-based): chr2:27,378,493, T>C on the plus strand (A>G on the coding strand, the complement: ZNF513 is on the minus strand). VCF-style: chr2-27378493-T-C. GRCh37 (hg19) VCF-style: chr2-27601360-T-C.
Other names: c.587A>G, p.Glu196Gly (NM_001201459.2); short protein forms E258G, E196G.
Identifiers: ClinVar variation 2096748 (VCV002096748.4), dbSNP rs2465623698, ClinGen allele CA346217426.

ClinVar aggregate classification (germline): Uncertain significance (1 of 4 stars; one submission).

Submission:

Labcorp Genetics (formerly Invitae), Labcorp
Classification: Uncertain significance. Last evaluated: 2022-02-11. Review status: criteria provided, single submitter. Criteria: Invitae Variant Classification Sherloc (09022015). Collection method: clinical testing. Allele origin: germline.
Comment: In summary, the available evidence is currently insufficient to determine the role of this variant in disease. Therefore, it has been classified as a Variant of Uncertain Significance. Algorithms developed to predict the effect of missense changes on protein structure and function are either unavailable or do not agree on the potential impact of this missense change (SIFT: "Deleterious"; PolyPhen-2: "Benign"; Align-GVGD: "Class C65"). This variant has not been reported in the literature in individuals affected with ZNF513-related conditions. This variant is not present in population databases (gnomAD no frequency). This sequence change replaces glutamic acid, which is acidic and polar, with glycine, which is neutral and non-polar, at codon 258 of the ZNF513 protein (p.Glu258Gly).